The following is an entry in ClinVar:

NM_015041.3(CLUAP1):c.487G>C (p.Glu163Gln)

Gene: CLUAP1 (clusterin associated protein 1; plus strand). Cytogenetic location: 16p13.3.
Variant type: single nucleotide variant.
Coding change: c.487G>C on transcript NM_015041.3 (MANE Select); coding-DNA position 487, G replaced by C.
Protein change: p.Glu163Gln; replaces glutamic acid 163 with glutamine.
Molecular consequence: missense variant. On other transcripts: intron variant (1).
Genome position (GRCh38, 1-based): chr16:3,512,470, G>C. VCF-style: chr16-3512470-G-C. GRCh37 (hg19) VCF-style: chr16-3562470-G-C.
Other names: c.487G>C, p.Glu163Gln (NM_001330454.2); c.-4+2501G>C (NM_024793.3); short protein forms E163Q.
Identifiers: ClinVar variation 4696458 (VCV004696458.1).
Genomic context (GRCh38, chr16:3,512,470, plus strand): 5'-CTTGCGTCTGAAATCACCTCCAAAGGAGCATCTCTGTATGACTTGCTCGGCATGGAAGTA[G>C]AGTTGAGGGTAAGCATTCCAGTACTTCCTTAACCATGCAGATTTTCTCTTCAAGGTTTTC-3'
Protein context (NP_055856.1, residues 153-173): SLYDLLGMEV[Glu163Gln]LREMRTEAIA

ClinVar aggregate classification (germline): Uncertain significance (1 of 4 stars; one submission).

gnomAD v4.1: 43 of 1,612,788 alleles (0.0027%); highest among the groups gnomAD compares: Non-Finnish European, 0.0036%; no homozygotes.

Submission:

Labcorp Genetics (formerly Invitae), Labcorp
Classification: Uncertain significance. Last evaluated: 2025-10-01. Review status: criteria provided, single submitter. Criteria: Invitae Variant Classification Sherloc (09022015). Collection method: clinical testing. Allele origin: germline.
Comment: This sequence change replaces glutamic acid, which is acidic and polar, with glutamine, which is neutral and polar, at codon 163 of the CLUAP1 protein (p.Glu163Gln). This variant is present in population databases (rs781005764, gnomAD 0.003%). This variant has not been reported in the literature in individuals affected with CLUAP1-related conditions. Invitae Evidence Modeling of protein sequence and biophysical properties (such as structural, functional, and spatial information, amino acid conservation, physicochemical variation, residue mobility, and thermodynamic stability) indicates that this missense variant is not expected to disrupt CLUAP1 protein function with a negative predictive value of 80%. In summary, the available evidence is currently insufficient to determine the role of this variant in disease. Therefore, it has been classified as a Variant of Uncertain Significance.